The following is an entry in ClinVar:

NM_000093.5(COL5A1):c.2354C>T (p.Pro785Leu)

Gene: COL5A1 (collagen type V alpha 1 chain; plus strand). Cytogenetic location: 9q34.3.
Variant type: single nucleotide variant.
Coding change: c.2354C>T on transcript NM_000093.5 (MANE Select); coding-DNA position 2354, C replaced by T.
Protein change: p.Pro785Leu; replaces proline 785 with leucine.
Molecular consequence: missense variant.
Genome position (GRCh38, 1-based): chr9:134,774,881, C>T. VCF-style: chr9-134774881-C-T. GRCh37 (hg19) VCF-style: chr9-137666727-C-T.
Other names: p.P785L:CCG>CTG; c.2354C>T, p.Pro785Leu (NM_001278074.1); short protein forms P785L.
Identifiers: ClinVar variation 212949 (VCV000212949.39), dbSNP rs760539229, ClinGen allele CA322163.

ClinVar aggregate classification (germline): Conflicting classifications of pathogenicity. Review status: criteria provided, conflicting classifications (1 of 4 stars). 5 submissions from 4 submitters: Uncertain significance (4); Benign (1). Last evaluated 2025-12-08.

Conditions:
Fibromuscular dysplasia, multifocal. Identifiers: MedGen C5543412, MONDO:0859151, OMIM 619329.
Ehlers-Danlos syndrome, classic type, 1 (EDSCL1). Also called: EHLERS-DANLOS SYNDROME, GRAVIS TYPE; EHLERS-DANLOS SYNDROME, SEVERE CLASSIC TYPE; Ehlers-Danlos syndrome, type 1; Ehlers-Danlos Syndrome, Classic Type, COL5A1-Related; EDS I. Identifiers: MedGen C0268335, MONDO:0019567, OMIM 130000.
Ehlers-Danlos syndrome, classic type (cEDS). Identifiers: Orphanet 287, MedGen C4225429, MONDO:0007522.

Allele frequency attached by ClinVar (database versions not stated): ExAC 0.00001; gnomAD exomes 0.00002 and 0.00004; TOPMed 0.00003; gnomAD 0.00004; 1000 Genomes Project 30x 0.00016.
gnomAD v4.1: 64 of 1,613,858 alleles (0.004%); highest among the groups gnomAD compares: South Asian, 0.0066%; no homozygotes.

Submissions (5):

Labcorp Genetics (formerly Invitae), Labcorp
Classification: Benign for Ehlers-Danlos syndrome, classic type, 1. Last evaluated: 2025-12-08. Review status: criteria provided, single submitter. Criteria: Invitae Variant Classification Sherloc (09022015). Collection method: clinical testing. Allele origin: germline.

CeGaT Center for Human Genetics Tuebingen
Classification: Uncertain significance. Last evaluated: 2023-02-01. Review status: criteria provided, single submitter. Criteria: CeGaT Center For Human Genetics Tuebingen Variant Classification Criteria Version 2. Collection method: clinical testing. Allele origin: germline. Affected: yes. Observed: 1 variant allele.

GeneDx
Classification: Uncertain significance. Last evaluated: 2020-09-11. Review status: criteria provided, single submitter. Criteria: GeneDx Variant Classification Process June 2021. Collection method: clinical testing. Allele origin: germline. Affected: yes.
Comment: In silico analysis supports that this missense variant has a deleterious effect on protein structure/function; Has not been previously published as pathogenic or benign to our knowledge; Occurs in the triple helical domain at the X position in the canonical Gly-X-Y repeat; although this variant may have an effect on normal protein folding and function, missense substitution at the {X/Y} position is not a common mechanism of disease (Symoens et al., 2012; Stenson et al., 2014)

Center for Genomics, Ann and Robert H. Lurie Children's Hospital of Chicago
Classification: Uncertain significance for Ehlers-Danlos syndrome, classic type, 1. Last evaluated: 2018-11-12. Review status: criteria provided, single submitter. Criteria: ACMG Guidelines, 2015. Collection method: clinical testing. Allele origin: germline.
Comment: COL5A1 NM_000093.4 exon 27 p.Pro785Leu (c.2354C>T): This variant has not been reported in the literature and is present in 0.009% (3/30444) of South Asian alleles in the Genome Aggregation Database. This variant is present in ClinVar (Variation ID:212949). Evolutionary conservation and computational predictive tools suggest that this variant may impact the protein. In summary, data on this variant is insufficient for disease classification. Therefore, the clinical significance of this variant is uncertain.

Center for Genomics, Ann and Robert H. Lurie Children's Hospital of Chicago
Classification: Uncertain significance for Ehlers-Danlos syndrome, classic type, 1; Fibromuscular dysplasia, multifocal. Review status: criteria provided, single submitter. Criteria: ACMG Guidelines, 2015. Collection method: clinical testing. Allele origin: germline.
Comment: the same text as in the submission from Center for Genomics, Ann and Robert H. Lurie Children's Hospital of Chicago above.